The following is an entry in ClinVar:

ClinVar aggregate classification (germline): Likely benign. Review status: criteria provided, multiple submitters, no conflicts (2 of 4 stars). 2 submissions from 2 submitters: Likely benign (2). Last evaluated 2026-09-01.

Allele frequency attached by ClinVar (database versions not stated): ExAC 0.00001; gnomAD exomes 0.00001; TOPMed 0.00003.
gnomAD v4.1: 8 of 1,613,974 alleles (0.0005%); highest among the groups gnomAD compares: Admixed American, 0.012%; no homozygotes.

Submissions (2):

CeGaT Center for Human Genetics Tuebingen
Classification: Likely benign. Last evaluated: 2026-09-01. Review status: criteria provided, single submitter. Criteria: CeGaT Center For Human Genetics Tuebingen Variant Classification Criteria Version 2. Collection method: clinical testing. Allele origin: germline. Affected: yes. Observed: 1 variant allele.
Comment: TCF20: BP4, BP7

Labcorp Genetics (formerly Invitae), Labcorp
Classification: Likely benign. Last evaluated: 2024-09-21. Review status: criteria provided, single submitter. Criteria: Invitae Variant Classification Sherloc (09022015). Collection method: clinical testing. Allele origin: germline.

NM_001378418.1(TCF20):c.4033C>A (p.Arg1345=)

Gene: TCF20 (transcription factor 20; minus strand). Cytogenetic location: 22q13.2.
Variant type: single nucleotide variant.
Coding change: c.4033C>A on transcript NM_001378418.1 (MANE Select); coding-DNA position 4033, C replaced by A.
Protein change: p.Arg1345=; no amino-acid change (arginine 1345 retained).
Molecular consequence: synonymous variant.
Genome position (GRCh38, 1-based): chr22:42,211,273, G>T on the plus strand (C>A on the coding strand, the complement: TCF20 is on the minus strand). VCF-style: chr22-42211273-G-T. GRCh37 (hg19) VCF-style: chr22-42607279-G-T.
Other names: c.4033C>A, p.Arg1345= (NM_005650.4, NM_181492.3).
Identifiers: ClinVar variation 1390211 (VCV001390211.7), dbSNP rs752829178, ClinGen allele CA10266728.
Genomic context (GRCh38, chr22:42,211,273, plus strand): 5'-TAATATTTGGGGATGTAATCTTCTGAACTATAGCTTCCAATTTCAATCCCCGTCCTTTCC[G>T]TGGGGGCAGTATTTTGGTCTTAGCAGGGCTTGTGAGGGTAACAGCAGGGCAGTTTCTACT-3'
Protein context (NP_001365347.1, residues 1335-1355): SPAKTKILPP[Arg1345=]KGRGLKLEAI